The following is an entry in ClinVar:

ClinVar aggregate classification (germline): Uncertain significance. Review status: criteria provided, multiple submitters, no conflicts (2 of 4 stars). 2 submissions from 2 submitters: Uncertain significance (2). Last evaluated 2022-09-13.

Conditions:
Amelocerebrohypohidrotic syndrome (KTZS). Also called: Kohlschutter's syndrome; KOHLSCHUTTER SYNDROME; EPILEPSY AND YELLOW TEETH; EPILEPSY, DEMENTIA, AND AMELOGENESIS IMPERFECTA. Identifiers: Orphanet 1946, MedGen C0406740, MONDO:0009185, OMIM 226750.

gnomAD v4.1: 1 of 1,612,772 alleles (0.000062%); highest among the groups gnomAD compares: Non-Finnish European, 0.000085%; no homozygotes.

Submissions (2):

Greenwood Genetic Center Diagnostic Laboratories, Greenwood Genetic Center
Classification: Uncertain significance. Last evaluated: 2022-09-13. Review status: criteria provided, single submitter. Criteria: ACMG Guidelines, 2015. Collection method: clinical testing. Allele origin: germline. Affected: yes.
Comment: PM2, PP3

Labcorp Genetics (formerly Invitae), Labcorp
Classification: Uncertain significance for Amelocerebrohypohidrotic syndrome. Last evaluated: 2020-09-08. Review status: criteria provided, single submitter. Criteria: Invitae Variant Classification Sherloc (09022015). Collection method: clinical testing. Allele origin: germline.
Comment: In summary, the available evidence is currently insufficient to determine the role of this variant in disease. Therefore, it has been classified as a Variant of Uncertain Significance. Algorithms developed to predict the effect of missense changes on protein structure and function are either unavailable or do not agree on the potential impact of this missense change (SIFT: "Deleterious"; PolyPhen-2: "Benign"; Align-GVGD: "Class C35"). This variant has not been reported in the literature in individuals with ROGDI-related conditions. This variant is not present in population databases (ExAC no frequency). This sequence change replaces arginine with leucine at codon 178 of the ROGDI protein (p.Arg178Leu). The arginine residue is moderately conserved and there is a moderate physicochemical difference between arginine and leucine.

NM_024589.3(ROGDI):c.533G>T (p.Arg178Leu)

Gene: ROGDI (rogdi atypical leucine zipper; minus strand). Cytogenetic location: 16p13.3.
Variant type: single nucleotide variant.
Coding change: c.533G>T on transcript NM_024589.3 (MANE Select); coding-DNA position 533, G replaced by T.
Protein change: p.Arg178Leu; replaces arginine 178 with leucine.
Molecular consequence: missense variant. On other transcripts: non-coding transcript variant (1).
Genome position (GRCh38, 1-based): chr16:4,798,183, C>A on the plus strand (G>T on the coding strand, the complement: ROGDI is on the minus strand). VCF-style: chr16-4798183-C-A. GRCh37 (hg19) VCF-style: chr16-4848184-C-A.
Other names: short protein forms R178L.
Identifiers: ClinVar variation 1041418 (VCV001041418.11), dbSNP rs751703075, ClinGen allele CA394650925.